The following is an entry in ClinVar:

NM_031935.3(HMCN1):c.9016A>G (p.Lys3006Glu)

Gene: HMCN1 (hemicentin 1; plus strand). Cytogenetic location: 1q31.1.
Variant type: single nucleotide variant.
Coding change: c.9016A>G on transcript NM_031935.3 (MANE Select); coding-DNA position 9016, A replaced by G.
Protein change: p.Lys3006Glu; replaces lysine 3006 with glutamic acid.
Molecular consequence: missense variant.
Genome position (GRCh38, 1-based): chr1:186,086,377, A>G. VCF-style: chr1-186086377-A-G. GRCh37 (hg19) VCF-style: chr1-186055509-A-G.
Other names: short protein forms K3006E.
Identifiers: ClinVar variation 2114979 (VCV002114979.4), dbSNP rs2527885542, ClinGen allele CA343917787.

ClinVar aggregate classification (germline): Uncertain significance (1 of 4 stars; one submission).

Submission:

Labcorp Genetics (formerly Invitae), Labcorp
Classification: Uncertain significance. Last evaluated: 2022-03-20. Review status: criteria provided, single submitter. Criteria: Invitae Variant Classification Sherloc (09022015). Collection method: clinical testing. Allele origin: germline.
Comment: In summary, the available evidence is currently insufficient to determine the role of this variant in disease. Therefore, it has been classified as a Variant of Uncertain Significance. Algorithms developed to predict the effect of missense changes on protein structure and function are either unavailable or do not agree on the potential impact of this missense change (SIFT: "Tolerated"; PolyPhen-2: "Probably Damaging"; Align-GVGD: "Class C0"). This variant has not been reported in the literature in individuals affected with HMCN1-related conditions. This variant is not present in population databases (gnomAD no frequency). This sequence change replaces lysine, which is basic and polar, with glutamic acid, which is acidic and polar, at codon 3006 of the HMCN1 protein (p.Lys3006Glu).